The following is an entry in ClinVar:

NM_016580.4(PCDH12):c.1024G>C (p.Val342Leu)

Genes: PCDH12 (protocadherin 12; minus strand), RNF14 (ring finger protein 14; plus strand). Cytogenetic location: 5q31.3.
Variant type: single nucleotide variant.
Coding change: c.1024G>C on transcript NM_016580.4 (MANE Select); coding-DNA position 1024, G replaced by C.
Protein change: p.Val342Leu; replaces valine 342 with leucine.
Molecular consequence: missense variant.
Genome position (GRCh38, 1-based): chr5:141,956,828, C>G on the plus strand (G>C on the coding strand, the complement: PCDH12 is on the minus strand). VCF-style: chr5-141956828-C-G. GRCh37 (hg19) VCF-style: chr5-141336393-C-G.
Other names: short protein forms V342L.
Identifiers: ClinVar variation 2057345 (VCV002057345.4), dbSNP rs771990021, ClinGen allele CA3484466.

ClinVar aggregate classification (germline): Uncertain significance (1 of 4 stars; one submission).

Allele frequency attached by ClinVar (database versions not stated): TOPMed below 0.00001; gnomAD 0.00001; gnomAD exomes 0.00001; ExAC 0.00002.
gnomAD v4.1: 11 of 1,614,114 alleles (0.00068%); highest among the groups gnomAD compares: Non-Finnish European, 0.00093%; no homozygotes.

Submission:

Labcorp Genetics (formerly Invitae), Labcorp
Classification: Uncertain significance. Last evaluated: 2024-01-02. Review status: criteria provided, single submitter. Criteria: Invitae Variant Classification Sherloc (09022015). Collection method: clinical testing. Allele origin: germline.
Comment: This sequence change replaces valine, which is neutral and non-polar, with leucine, which is neutral and non-polar, at codon 342 of the PCDH12 protein (p.Val342Leu). This variant is present in population databases (rs771990021, gnomAD 0.002%). This variant has not been reported in the literature in individuals affected with PCDH12-related conditions. ClinVar contains an entry for this variant (Variation ID: 2057345). Advanced modeling of protein sequence and biophysical properties (such as structural, functional, and spatial information, amino acid conservation, physicochemical variation, residue mobility, and thermodynamic stability) performed at Invitae indicates that this missense variant is not expected to disrupt PCDH12 protein function with a negative predictive value of 95%. In summary, the available evidence is currently insufficient to determine the role of this variant in disease. Therefore, it has been classified as a Variant of Uncertain Significance.